The following is an entry in ClinVar:

ClinVar aggregate classification (germline): Pathogenic/Likely pathogenic. Review status: criteria provided, multiple submitters, no conflicts (2 of 4 stars). 4 submissions from 4 submitters: Pathogenic (1); Likely pathogenic (2). 1 of the submissions does not count toward it. Last evaluated 2025-04-24.

Conditions:
Polycystic kidney disease 4 (PKD4). Also called: POLYCYSTIC KIDNEY DISEASE 4 WITH OR WITHOUT POLYCYSTIC LIVER DISEASE; POLYCYSTIC KIDNEY AND HEPATIC DISEASE 1; POLYCYSTIC KIDNEY DISEASE, INFANTILE, TYPE I; PKD3; Autosomal Recessive Polycystic Kidney Disease – PKHD1. Identifiers: MedGen C4540575, MONDO:0033004, OMIM 263200.
Autosomal recessive polycystic kidney disease (ARPKD). Also called: AR polycystic kidney disease. Identifiers: Orphanet 731, Orphanet 8378, MedGen C0085548, MeSH D017044, MONDO:0009889.

Submissions (4):

Natera, Inc.
Classification: Likely pathogenic for Autosomal recessive polycystic kidney disease. Last evaluated: 2025-04-24. Review status: criteria provided, single submitter. Criteria: Natera Variant Classification Schema (03/2026). Collection method: clinical testing. Allele origin: germline.
Comment: The c.10852delA variant in PKHD1 is a frameshift variant predicted to shift the reading frame beginning at codon 3618 and leads to a stop codon 8 codons downstream. This variant is expected to result in nonsense mediated decay, truncation, or a dysfunctional protein product. This variant is rare in the general population with a frequency below the threshold expected for the associated phenotype(s). Given the available evidence, this variant is classified as Likely Pathogenic.

Labcorp Genetics (formerly Invitae), Labcorp
Classification: Pathogenic for Autosomal recessive polycystic kidney disease. Last evaluated: 2023-10-27. Review status: criteria provided, single submitter. Criteria: Invitae Variant Classification Sherloc (09022015). Collection method: clinical testing. Allele origin: germline.
Comment: This sequence change creates a premature translational stop signal (p.Arg3618Glufs*8) in the PKHD1 gene. It is expected to result in an absent or disrupted protein product. Loss-of-function variants in PKHD1 are known to be pathogenic (PMID: 19940839). This variant is not present in population databases (gnomAD no frequency). This variant has not been reported in the literature in individuals affected with PKHD1-related conditions. ClinVar contains an entry for this variant (Variation ID: 553654). For these reasons, this variant has been classified as Pathogenic.

Baylor Genetics
Classification: Likely pathogenic for Polycystic kidney disease 4. Last evaluated: 2022-03-31. Review status: criteria provided, single submitter. Criteria: ACMG Guidelines, 2015. Collection method: clinical testing. Allele origin: unknown.

Counsyl
Classification: Likely pathogenic for Polycystic kidney disease 4. Last evaluated: 2017-10-06. Review status: no assertion criteria provided. Collection method: clinical testing. Allele origin: unknown. Not counted in ClinVar's aggregate classification.

Literature cited by the submitters: PubMed 19940839 (cited by Labcorp Genetics (formerly Invitae), Labcorp).

NM_138694.4(PKHD1):c.10852del (p.Arg3618fs)

Gene: PKHD1 (PKHD1 ciliary IPT domain containing fibrocystin/polyductin; minus strand). Cytogenetic location: 6p12.3.
Variant type: Deletion.
Coding change: c.10852del on transcript NM_138694.4 (MANE Select); coding-DNA position 10852, one base deleted (A; older notation c.10852delA).
Protein change: p.Arg3618fs; shifts the reading frame from arginine 3618.
Molecular consequence: frameshift variant.
Genome position (GRCh38, 1-based): chr6:51,659,274, T deleted on the plus strand (A on the coding strand, the reverse complement: PKHD1 is on the minus strand); the first of 5 consecutive T bases (chr6:51,659,274-51,659,278); deleting any one gives the same sequence. VCF-style (leftmost placement, unchanged base first): chr6-51659273-CT-C. GRCh37 (hg19) VCF-style: chr6-51524071-CT-C.
Other names: short protein forms R3618fs.
Identifiers: ClinVar variation 553654 (VCV000553654.9), dbSNP rs1554183240, ClinGen allele CA658821698.